The following is an entry in ClinVar:

NM_025000.4(DCAF17):c.198A>G (p.Ile66Met)

Gene: DCAF17 (DDB1 and CUL4 associated factor 17; plus strand). Cytogenetic location: 2q31.1.
Variant type: single nucleotide variant.
Coding change: c.198A>G on transcript NM_025000.4 (MANE Select); coding-DNA position 198, A replaced by G.
Protein change: p.Ile66Met; replaces isoleucine 66 with methionine.
Molecular consequence: missense variant. On other transcripts: non-coding transcript variant (1).
Genome position (GRCh38, 1-based): chr2:171,435,154, A>G. VCF-style: chr2-171435154-A-G. GRCh37 (hg19) VCF-style: chr2-172291664-A-G.
Other names: c.198A>G, p.Ile66Met (NM_001164821.2); short protein forms I66M.
Identifiers: ClinVar variation 1392555 (VCV001392555.5), dbSNP rs775568340, ClinGen allele CA1964569.
Genomic context (GRCh38, chr2:171,435,154, plus strand): 5'-ATTTAAGAATGTCTGGACAACTCATTCCAGGTCACCTATAGCCTATGAGAGAGGAAGAAT[A>G]TATTTTGACAATTATCGGCGCTGTGTCAGCAGGTAACTTTTTATTGATAATTTTGCTGTA-3'
Protein context (NP_079276.2, residues 56-76): RSPIAYERGR[Ile66Met]YFDNYRRCVS

ClinVar aggregate classification (germline): Uncertain significance (1 of 4 stars; one submission).

Conditions:
Woodhouse-Sakati syndrome. Also called: EXTRAPYRAMIDAL DISORDER, PROGRESSIVE, WITH PRIMARY HYPOGONADISM, MENTAL RETARDATION, AND ALOPECIA; Hypogonadism, Alopecia, Diabetes Mellitus, Mental Retardation, and Extrapyramidal Syndrome; Hypogonadism, diabetes mellitus, alopecia, mental retardation and electrocardiographic abnormalities. Identifiers: Orphanet 3464, MedGen C0342286, MONDO:0009419, OMIM 241080.

Allele frequency attached by ClinVar (database versions not stated): TOPMed below 0.00001; ExAC 0.00001; gnomAD exomes 0.00001.
gnomAD v4.1: 9 of 1,613,710 alleles (0.00056%); highest among the groups gnomAD compares: Admixed American, 0.0033%; no homozygotes.

Submission:

Labcorp Genetics (formerly Invitae), Labcorp
Classification: Uncertain significance for Woodhouse-Sakati syndrome. Last evaluated: 2022-10-13. Review status: criteria provided, single submitter. Criteria: Invitae Variant Classification Sherloc (09022015). Collection method: clinical testing. Allele origin: germline.
Comment: This sequence change replaces isoleucine, which is neutral and non-polar, with methionine, which is neutral and non-polar, at codon 66 of the DCAF17 protein (p.Ile66Met). This variant is present in population databases (rs775568340, gnomAD 0.006%). This variant has not been reported in the literature in individuals affected with DCAF17-related conditions. ClinVar contains an entry for this variant (Variation ID: 1392555). Advanced modeling of protein sequence and biophysical properties (such as structural, functional, and spatial information, amino acid conservation, physicochemical variation, residue mobility, and thermodynamic stability) performed at Invitae indicates that this missense variant is expected to disrupt DCAF17 protein function. In summary, the available evidence is currently insufficient to determine the role of this variant in disease. Therefore, it has been classified as a Variant of Uncertain Significance.